The following is an entry in ClinVar:

ClinVar aggregate classification (germline): Likely pathogenic (1 of 4 stars; one submission).

Conditions:
Waardenburg syndrome type 2A (WS2A). Also called: WAARDENBURG SYNDROME WITHOUT DYSTOPIA CANTHORUM. Identifiers: Orphanet 3440, MedGen C1860339, MONDO:0008671, OMIM 193510.

Submission:

Institute of Rare Diseases, West China Hospital, Sichuan University
Classification: Likely pathogenic for Waardenburg syndrome type 2A. Last evaluated: 2025-01-09. Review status: criteria provided, single submitter. Criteria: ClinGen HL ACMG Specifications v1. Collection method: research. Allele origin: germline. Affected: yes.
Comment: PVS1;PM2_Supporting

NM_001354604.2(MITF):c.878_879dup (p.Ala294fs)

Gene: MITF (melanocyte inducing transcription factor; plus strand). Cytogenetic location: 3p13.
Variant type: Microsatellite.
Coding change: c.878_879dup on transcript NM_001354604.2 (MANE Select); coding-DNA positions 878 to 879, 2 bases duplicated (CA; older notation c.878_879dupCA).
Protein change: p.Ala294fs; shifts the reading frame from alanine 294.
Molecular consequence: frameshift variant.
Genome position (GRCh38, 1-based): chr3:69,949,166-69,949,167, CA duplicated; duplicating any 2 consecutive bases within chr3:69,949,164-69,949,167 gives the same sequence; the c. name uses the placement nearest the transcript's 3' end. VCF-style (leftmost placement, unchanged base first): chr3-69949163-T-TCA. GRCh37 (hg19) VCF-style: chr3-69998314-T-TCA.
Other names: c.557_558dup, p.Ala187fs (NM_000248.4); c.722_723dup, p.Glu242fs (NM_001184967.2, NM_001354608.2); c.875_876dup, p.Ala293fs (NM_001354605.2); c.875_876dup, p.Glu293fs (NM_001354606.2, NM_006722.3); c.827_828dup, p.Glu277fs (NM_001354607.2); c.557_558dup, p.Glu187fs (NM_198158.3); c.878_879dup, p.Glu294fs (NM_198159.3); c.830_831dup, p.Glu278fs (NM_198177.3); and 1 more; short protein forms A187fs, A293fs, A294fs, E131fs, E187fs, E242fs, E277fs, E278fs.
Identifiers: ClinVar variation 3601252 (VCV003601252.1).